The following is an entry in ClinVar:

NM_002734.5(PRKAR1A):c.506A>G (p.Asp169Gly)

Gene: PRKAR1A (protein kinase cAMP-dependent type I regulatory subunit alpha; plus strand). Cytogenetic location: 17q24.2.
Variant type: single nucleotide variant.
Coding change: c.506A>G on transcript NM_002734.5 (MANE Select); coding-DNA position 506, A replaced by G.
Protein change: p.Asp169Gly; replaces aspartic acid 169 with glycine.
Molecular consequence: missense variant.
Genome position (GRCh38, 1-based): chr17:68,524,915, A>G. VCF-style: chr17-68524915-A-G. GRCh37 (hg19) VCF-style: chr17-66521056-A-G.
Other names: c.506A>G (NM_002734.3); c.506A>G, p.Asp169Gly (NM_001276289.2, NM_001276290.1, NM_001278433.2 and 4 more transcripts); short protein forms D169G.
Identifiers: ClinVar variation 639130 (VCV000639130.10), dbSNP rs1600484143, ClinGen allele CA400752932.
Genomic context (GRCh38, chr17:68,524,915, plus strand): 5'-TTGATAATTTCTTTCTTTAATTTGGAATATGCTTCTAACTTTTTTACCCTCTTTTAGGTG[A>G]TGAAGGGGATAACTTCTATGTGATTGATCAAGGAGAGACGGATGTAAGATTTACCAATAT-3'
Protein context (NP_002725.1, residues 159-179): IAGETVIQQG[Asp169Gly]EGDNFYVIDQ

ClinVar aggregate classification (germline): Uncertain significance. Review status: criteria provided, multiple submitters, no conflicts (2 of 4 stars). 2 submissions from 2 submitters: Uncertain significance (2). Last evaluated 2023-07-29.

Conditions:
Hereditary cancer-predisposing syndrome. Also called: Neoplastic Syndromes, Hereditary; Tumor predisposition; Hereditary Cancer Syndrome; Hereditary neoplastic syndrome. Identifiers: Orphanet 140162, MedGen C0027672, MeSH D009386, MONDO:0015356.
Carney complex, type 1 (CNC1). Also called: CARNEY MYXOMA-ENDOCRINE COMPLEX; CARNEY COMPLEX, TYPE I. Identifiers: Orphanet 1359, MedGen C2607929, MONDO:0008057, OMIM 160980.

Allele frequency attached by ClinVar (database versions not stated): gnomAD exomes below 0.00001.
gnomAD v4.1: 1 of 1,607,228 alleles (0.000062%); highest among the groups gnomAD compares: Non-Finnish European, 0.000085%; no homozygotes.

Submissions (2):

Labcorp Genetics (formerly Invitae), Labcorp
Classification: Uncertain significance for Carney complex, type 1. Last evaluated: 2023-07-29. Review status: criteria provided, single submitter. Criteria: Invitae Variant Classification Sherloc (09022015). Collection method: clinical testing. Allele origin: germline.
Comment: ClinVar contains an entry for this variant (Variation ID: 639130). This sequence change replaces aspartic acid, which is acidic and polar, with glycine, which is neutral and non-polar, at codon 169 of the PRKAR1A protein (p.Asp169Gly). This variant is not present in population databases (gnomAD no frequency). This variant has not been reported in the literature in individuals affected with PRKAR1A-related conditions. Advanced modeling of protein sequence and biophysical properties (such as structural, functional, and spatial information, amino acid conservation, physicochemical variation, residue mobility, and thermodynamic stability) has been performed at Invitae for this missense variant, however the output from this modeling did not meet the statistical confidence thresholds required to predict the impact of this variant on PRKAR1A protein function. In summary, the available evidence is currently insufficient to determine the role of this variant in disease. Therefore, it has been classified as a Variant of Uncertain Significance.

Ambry Genetics
Classification: Uncertain significance for Hereditary cancer-predisposing syndrome. Last evaluated: 2022-12-10. Review status: criteria provided, single submitter. Criteria: Ambry Variant Classification Scheme 2023. Collection method: clinical testing. Allele origin: germline.
Comment: The p.D169G variant (also known as c.506A>G), located in coding exon 5 of the PRKAR1A gene, results from an A to G substitution at nucleotide position 506. The aspartic acid at codon 169 is replaced by glycine, an amino acid with similar properties. This amino acid position is conserved. In addition, this alteration is predicted to be deleterious by in silico analysis. Since supporting evidence is limited at this time, the clinical significance of this alteration remains unclear.